The following is an entry in ClinVar:

ClinVar aggregate classification (germline): Likely benign (1 of 4 stars; one submission).

Allele frequency attached by ClinVar (database versions not stated): 1000 Genomes Project 0.00040; TOPMed 0.00065; gnomAD 0.00067; 1000 Genomes Project 30x 0.00094; ESP Exome Variant Server 0.00100; ExAC 0.00119.
gnomAD v4.1: 1,590 of 1,614,054 alleles (0.099%); highest among the groups gnomAD compares: Non-Finnish European, 0.13%; 5 homozygotes.

Submission:

CeGaT Center for Human Genetics Tuebingen
Classification: Likely benign. Last evaluated: 2022-08-01. Review status: criteria provided, single submitter. Criteria: CeGaT Center For Human Genetics Tuebingen Variant Classification Criteria Version 2. Collection method: clinical testing. Allele origin: germline. Affected: yes. Observed: 1 variant allele.
Comment: APBB1IP: BP4, BP7

NM_019043.4(APBB1IP):c.498G>A (p.Ala166=)

Gene: APBB1IP (amyloid beta precursor protein binding family B member 1 interacting protein; plus strand). Cytogenetic location: 10p12.1.
Variant type: single nucleotide variant.
Coding change: c.498G>A on transcript NM_019043.4 (MANE Select); coding-DNA position 498, G replaced by A.
Protein change: p.Ala166=; no amino-acid change (alanine 166 retained).
Molecular consequence: synonymous variant.
Genome position (GRCh38, 1-based): chr10:26,503,241, G>A. VCF-style: chr10-26503241-G-A. GRCh37 (hg19) VCF-style: chr10-26792170-G-A.
Identifiers: ClinVar variation 2640365 (VCV002640365.24), dbSNP rs117705625, ClinGen allele CA5446428.